The following is an entry in ClinVar:

NM_020937.4(FANCM):c.1100T>C (p.Leu367Ser)

Gene: FANCM (FA complementation group M; plus strand). Cytogenetic location: 14q21.2.
Variant type: single nucleotide variant.
Coding change: c.1100T>C on transcript NM_020937.4 (MANE Select); coding-DNA position 1100, T replaced by C.
Protein change: p.Leu367Ser; replaces leucine 367 with serine.
Molecular consequence: missense variant.
Genome position (GRCh38, 1-based): chr14:45,153,969, T>C. VCF-style: chr14-45153969-T-C. GRCh37 (hg19) VCF-style: chr14-45623172-T-C.
Other names: c.1022T>C, p.Leu341Ser (NM_001308133.2); c.1100T>C, p.Leu367Ser (NM_001308134.2); c.1100T>C (NM_020937.2); short protein forms L341S, L367S.
Identifiers: ClinVar variation 1380240 (VCV001380240.8), dbSNP rs769814213, ClinGen allele CA7168934.

ClinVar aggregate classification (germline): Uncertain significance. Review status: criteria provided, multiple submitters, no conflicts (2 of 4 stars). 2 submissions from 2 submitters: Uncertain significance (2). Last evaluated 2025-12-02.

Conditions:
Fanconi anemia (FA). Also called: Fanconi's anemia. Identifiers: Orphanet 84, MedGen C0015625, MeSH D005199, MONDO:0019391.

Allele frequency attached by ClinVar (database versions not stated): gnomAD exomes below 0.00001; TOPMed below 0.00001; ExAC 0.00001.
gnomAD v4.1: 2 of 1,601,746 alleles (0.00012%); highest among the groups gnomAD compares: Non-Finnish European, 0.00017%; no homozygotes.

Submissions (2):

Labcorp Genetics (formerly Invitae), Labcorp
Classification: Uncertain significance for Fanconi anemia. Last evaluated: 2025-12-02. Review status: criteria provided, single submitter. Criteria: Invitae Variant Classification Sherloc (09022015). Collection method: clinical testing. Allele origin: germline.
Comment: This sequence change replaces leucine, which is neutral and non-polar, with serine, which is neutral and polar, at codon 367 of the FANCM protein (p.Leu367Ser). This variant is present in population databases (rs769814213, gnomAD 0.0009%). This variant has not been reported in the literature in individuals affected with FANCM-related conditions. ClinVar contains an entry for this variant (Variation ID: 1380240). An algorithm developed to predict the effect of missense changes on protein structure and function (PolyPhen-2) suggests that this variant is likely to be disruptive. In summary, the available evidence is currently insufficient to determine the role of this variant in disease. Therefore, it has been classified as a Variant of Uncertain Significance.

GeneDx
Classification: Uncertain significance. Last evaluated: 2022-09-30. Review status: criteria provided, single submitter. Criteria: GeneDx Variant Classification Process June 2021. Collection method: clinical testing. Allele origin: germline. Affected: yes.
Comment: Not observed at significant frequency in large population cohorts (gnomAD); In silico analysis supports that this missense variant has a deleterious effect on protein structure/function; Has not been previously published as pathogenic or benign to our knowledge